The following is an entry in ClinVar:

NM_017999.5(RNF31):c.1116A>G (p.Ile372Met)

Gene: RNF31 (ring finger protein 31; plus strand). Cytogenetic location: 14q12.
Variant type: single nucleotide variant.
Coding change: c.1116A>G on transcript NM_017999.5 (MANE Select); coding-DNA position 1116, A replaced by G.
Protein change: p.Ile372Met; replaces isoleucine 372 with methionine.
Molecular consequence: missense variant.
Genome position (GRCh38, 1-based): chr14:24,150,367, A>G. VCF-style: chr14-24150367-A-G. GRCh37 (hg19) VCF-style: chr14-24619576-A-G.
Other names: c.663A>G, p.Ile221Met (NM_001310332.2); short protein forms I372M, I221M.
Identifiers: ClinVar variation 1493278 (VCV001493278.9), dbSNP rs755511863, ClinGen allele CA257872346.

ClinVar aggregate classification (germline): Conflicting classifications of pathogenicity. Review status: criteria provided, conflicting classifications (1 of 4 stars). 2 submissions from 2 submitters: Uncertain significance (1); Likely benign (1). Last evaluated 2024-10-25.

Allele frequency attached by ClinVar (database versions not stated): gnomAD 0.00001 and 0.00002; gnomAD exomes 0.00001 and 0.00002; TOPMed 0.00001.
gnomAD v4.1: 34 of 1,613,866 alleles (0.0021%); highest among the groups gnomAD compares: Non-Finnish European, 0.0029%; no homozygotes.

Submissions (2):

Blueprint Genetics
Classification: Likely benign. Last evaluated: 2024-10-25. Review status: criteria provided, single submitter. Criteria: ACMG Guidelines, 2015. Collection method: clinical testing. Allele origin: germline.

Labcorp Genetics (formerly Invitae), Labcorp
Classification: Uncertain significance. Last evaluated: 2021-09-05. Review status: criteria provided, single submitter. Criteria: Invitae Variant Classification Sherloc (09022015). Collection method: clinical testing. Allele origin: germline.
Comment: In summary, the available evidence is currently insufficient to determine the role of this variant in disease. Therefore, it has been classified as a Variant of Uncertain Significance. This variant has not been reported in the literature in individuals affected with RNF31-related conditions. Algorithms developed to predict the effect of missense changes on protein structure and function output the following: SIFT: "Deleterious"; PolyPhen-2: "Benign"; Align-GVGD: "Class C0". The methionine amino acid residue is found in multiple mammalian species, which suggests that this missense change does not adversely affect protein function. This variant is not present in population databases (ExAC no frequency). This sequence change replaces isoleucine with methionine at codon 372 of the RNF31 protein (p.Ile372Met). The isoleucine residue is moderately conserved and there is a small physicochemical difference between isoleucine and methionine.